The following is an entry in ClinVar:

ClinVar aggregate classification (germline): Likely benign (0 of 4 stars; one submission).

Conditions:
MEI1-related disorder. Also called: MEI1-related condition.

Allele frequency attached by ClinVar (database versions not stated): ESP Exome Variant Server 0.00008; TOPMed 0.00082; gnomAD 0.00110; ExAC 0.00257; 1000 Genomes Project 30x 0.00406; 1000 Genomes Project 0.00459.
gnomAD v4.1: 1,464 of 1,602,354 alleles (0.091%); highest among the groups gnomAD compares: East Asian, 2.3%; 13 homozygotes.

Submission:

PreventionGenetics, part of Exact Sciences
Classification: Likely benign for MEI1-related condition. Last evaluated: 2019-04-09. Review status: no assertion criteria provided. Collection method: clinical testing. Allele origin: germline.
Comment: This variant is classified as likely benign based on ACMG/AMP sequence variant interpretation guidelines (Richards et al. 2015 PMID: 25741868, with internal and published modifications).

NM_152513.4(MEI1):c.102C>T (p.Arg34=)

Gene: MEI1 (meiotic double-stranded break formation protein 1; plus strand). Cytogenetic location: 22q13.2.
Variant type: single nucleotide variant.
Coding change: c.102C>T on transcript NM_152513.4 (MANE Select); coding-DNA position 102, C replaced by T.
Protein change: p.Arg34=; no amino-acid change (arginine 34 retained).
Molecular consequence: synonymous variant.
Genome position (GRCh38, 1-based): chr22:41,699,640, C>T. VCF-style: chr22-41699640-C-T. GRCh37 (hg19) VCF-style: chr22-42095644-C-T.
Identifiers: ClinVar variation 3041258 (VCV003041258.2), dbSNP rs200066340, ClinGen allele CA10259749.